The following is an entry in ClinVar:

NM_001004334.4(GPR179):c.5134G>A (p.Gly1712Arg)

Gene: GPR179 (G protein-coupled receptor 179; minus strand). Cytogenetic location: 17q12.
Variant type: single nucleotide variant.
Coding change: c.5134G>A on transcript NM_001004334.4 (MANE Select); coding-DNA position 5134, G replaced by A.
Protein change: p.Gly1712Arg; replaces glycine 1712 with arginine.
Molecular consequence: missense variant.
Genome position (GRCh38, 1-based): chr17:38,328,435, C>T on the plus strand (G>A on the coding strand, the complement: GPR179 is on the minus strand). VCF-style: chr17-38328435-C-T. GRCh37 (hg19) VCF-style: chr17-36484318-C-T.
Other names: short protein forms G1712R.
Identifiers: ClinVar variation 1506308 (VCV001506308.8), dbSNP rs751224516, ClinGen allele CA290103738.

ClinVar aggregate classification (germline): Uncertain significance (1 of 4 stars; one submission).

Allele frequency attached by ClinVar (database versions not stated): gnomAD exomes below 0.00001; ExAC 0.00001.
gnomAD v4.1: 4 of 1,614,162 alleles (0.00025%); highest among the groups gnomAD compares: South Asian, 0.0033%; no homozygotes.

Submission:

Labcorp Genetics (formerly Invitae), Labcorp
Classification: Uncertain significance. Last evaluated: 2022-02-05. Review status: criteria provided, single submitter. Criteria: Invitae Variant Classification Sherloc (09022015). Collection method: clinical testing. Allele origin: germline.
Comment: In summary, the available evidence is currently insufficient to determine the role of this variant in disease. Therefore, it has been classified as a Variant of Uncertain Significance. Algorithms developed to predict the effect of missense changes on protein structure and function output the following: SIFT: "Tolerated"; PolyPhen-2: "Benign"; Align-GVGD: "Class C0". The arginine amino acid residue is found in multiple mammalian species, which suggests that this missense change does not adversely affect protein function. This variant has not been reported in the literature in individuals affected with GPR179-related conditions. This variant is present in population databases (rs751224516, gnomAD 0.003%). This sequence change replaces glycine, which is neutral and non-polar, with arginine, which is basic and polar, at codon 1712 of the GPR179 protein (p.Gly1712Arg).